The following is an entry in ClinVar:

NM_001326411.2(PISD):c.643del (p.Leu215fs)

Gene: PISD (phosphatidylserine decarboxylase; minus strand). Cytogenetic location: 22q12.2.
Variant type: Deletion.
Coding change: c.643del on transcript NM_001326411.2 (MANE Select); coding-DNA position 643, one base deleted (C; older notation c.643delC).
Protein change: p.Leu215fs; shifts the reading frame from leucine 215.
Molecular consequence: frameshift variant.
Genome position (GRCh38, 1-based): chr22:31,621,388, G deleted on the plus strand (C on the coding strand, the reverse complement: PISD is on the minus strand); the first of 3 consecutive G bases (chr22:31,621,388-31,621,390); deleting any one gives the same sequence. VCF-style (leftmost placement, unchanged base first): chr22-31621387-AG-A. GRCh37 (hg19) VCF-style: chr22-32017373-AG-A.
Other names: c.580del, p.Leu194fs (NM_001326412.1, NM_001326413.2, NM_001326414.2); c.541del, p.Leu181fs (NM_001326415.2, NM_001326416.2, NM_001326417.2 and 3 more transcripts); c.463del, p.Leu155fs (NM_001326418.2, NM_001326420.2); c.643del, p.Leu215fs (NM_001326421.1); short protein forms L194fs, L215fs, L155fs, L181fs.
Identifiers: ClinVar variation 2807239 (VCV002807239.3), dbSNP rs1321112383, ClinGen allele CA639390185.

ClinVar aggregate classification (germline): Pathogenic (1 of 4 stars; one submission).

Submission:

Labcorp Genetics (formerly Invitae), Labcorp
Classification: Pathogenic. Last evaluated: 2024-01-24. Review status: criteria provided, single submitter. Criteria: Invitae Variant Classification Sherloc (09022015). Collection method: clinical testing. Allele origin: germline.
Comment: This sequence change creates a premature translational stop signal (p.Leu215Trpfs*70) in the PISD gene. It is expected to result in an absent or disrupted protein product. Loss-of-function variants in PISD are known to be pathogenic (PMID: 30488656, 30858161). This variant is present in population databases (no rsID available, gnomAD 0.0009%). This variant has not been reported in the literature in individuals affected with PISD-related conditions. Algorithms developed to predict the effect of sequence changes on RNA splicing suggest that this variant may disrupt the consensus splice site. For these reasons, this variant has been classified as Pathogenic.

Literature cited by the submitters: PubMed 30488656; PubMed 30858161.